The following is an entry in ClinVar:

ClinVar aggregate classification (germline): Uncertain significance (1 of 4 stars; one submission).

Conditions:
Menkes kinky-hair syndrome (MNK). Also called: Classic Menkes Disease; Copper transport disease; Menkes Disease. Identifiers: Orphanet 565, MedGen C0022716, MONDO:0010651, OMIM 309400.
X-linked distal spinal muscular atrophy type 3. Also called: NEURONOPATHY, DISTAL HEREDITARY MOTOR, X-LINKED; NEUROPATHY, DISTAL HEREDITARY MOTOR, X-LINKED; ATP7A-Related Distal Motor Neuropathy; SPINAL MUSCULAR ATROPHY, DISTAL, X-LINKED RECESSIVE. Identifiers: Orphanet 139557, MedGen C1845359, MONDO:0010338, OMIM 300489.
Cutis laxa, X-linked (OHS). Also called: EDS IX; Occipital horn syndrome. Identifiers: Orphanet 198, MedGen C0268353, MONDO:0010572, OMIM 304150.

Submission:

Labcorp Genetics (formerly Invitae), Labcorp
Classification: Uncertain significance for X-linked distal spinal muscular atrophy type 3; Cutis laxa, X-linked; Menkes kinky-hair syndrome. Last evaluated: 2022-08-31. Review status: criteria provided, single submitter. Criteria: Invitae Variant Classification Sherloc (09022015). Collection method: clinical testing. Allele origin: germline.
Comment: In summary, the available evidence is currently insufficient to determine the role of this variant in disease. Therefore, it has been classified as a Variant of Uncertain Significance. Algorithms developed to predict the effect of missense changes on protein structure and function are either unavailable or do not agree on the potential impact of this missense change (SIFT: "Deleterious"; PolyPhen-2: "Probably Damaging"; Align-GVGD: "Class C0"). This variant has not been reported in the literature in individuals affected with ATP7A-related conditions. This variant is not present in population databases (gnomAD no frequency). This sequence change replaces serine, which is neutral and polar, with cysteine, which is neutral and slightly polar, at codon 979 of the ATP7A protein (p.Ser979Cys).

NM_000052.7(ATP7A):c.2936C>G (p.Ser979Cys)

Gene: ATP7A (ATPase copper transporting alpha; plus strand). Cytogenetic location: Xq21.1.
Variant type: single nucleotide variant.
Coding change: c.2936C>G on transcript NM_000052.7 (MANE Select); coding-DNA position 2936, C replaced by G.
Protein change: p.Ser979Cys; replaces serine 979 with cysteine.
Molecular consequence: missense variant.
Genome position (GRCh38, 1-based): chrX:78,029,269, C>G. VCF-style: chrX-78029269-C-G. GRCh37 (hg19) VCF-style: chrX-77284766-C-G.
Other names: c.2702C>G, p.Ser901Cys (NM_001282224.2); short protein forms S901C, S979C.
Identifiers: ClinVar variation 1956275 (VCV001956275.5), dbSNP rs2522392203, ClinGen allele CA413603049.